The following is an entry in ClinVar:

NM_006268.5(DPF2):c.1045G>T (p.Asp349Tyr)

Gene: DPF2 (double PHD fingers 2; plus strand). Cytogenetic location: 11q13.1.
Variant type: single nucleotide variant.
Coding change: c.1045G>T on transcript NM_006268.5 (MANE Select); coding-DNA position 1045, G replaced by T.
Protein change: p.Asp349Tyr; replaces aspartic acid 349 with tyrosine.
Molecular consequence: missense variant.
Genome position (GRCh38, 1-based): chr11:65,348,877, G>T. VCF-style: chr11-65348877-G-T. GRCh37 (hg19) VCF-style: chr11-65116348-G-T.
Other names: c.1087G>T, p.Asp363Tyr (NM_001330308.2); short protein forms D349Y, D363Y.
Identifiers: ClinVar variation 4796516 (VCV004796516.1).

ClinVar aggregate classification (germline): Uncertain significance (1 of 4 stars; one submission).

Conditions:
Coffin-Siris syndrome 7. Identifiers: MedGen C4747954, MONDO:0054831, OMIM 618027.

Submission:

Juno Genomics, Hangzhou Juno Genomics, Inc
Classification: Uncertain significance for Coffin-Siris syndrome 7. Review status: criteria provided, single submitter. Criteria: ACMG Guidelines, 2015. Collection method: clinical testing. Allele origin: germline. Affected: yes.
Comment: Absent from controls (or at extremely low frequency if recessive) in Genome Aggregation Database, Exome Sequencing Project, 1000 Genomes Project, or Exome Aggregation Consortium.;Multiple lines of computational evidence support a deleterious effect on the gene or gene product (conservation, evolutionary, splicing impact, etc).;Missense variant in a gene that has a low rate of benign missense variation and where missense variants are a common mechanism of disease.;Located in a mutational hot spot and/or critical and well-established functional domain (e.g. active site of an enzyme) without benign variation.